The following is an entry in ClinVar:

ClinVar aggregate classification (germline): Likely pathogenic (1 of 4 stars; one submission).

Conditions:
Glucocorticoid deficiency 4. Also called: Glucocorticoid deficiency 4 with or without mineralocorticoid deficiency. Identifiers: Orphanet 361, MedGen C3553587, MONDO:0013874, OMIM 614736.

gnomAD v4.1: 7 of 1,457,172 alleles (0.00048%); highest among the groups gnomAD compares: Non-Finnish European, 0.00066%; no homozygotes.

Submission:

Clinical Genomics Laboratory, Washington University in St. Louis
Classification: Likely pathogenic for Glucocorticoid deficiency 4. Last evaluated: 2025-12-30. Review status: criteria provided, single submitter. Criteria: ACMG Guidelines, 2015. Collection method: clinical testing. Allele origin: germline. Affected: yes.
Comment: The NNT c.-53-2A>G variant, to our knowledge, has not been reported in the medical literature and this variant is only observed in 7/1,457,172 alleles in the general population (gnomAD v4.1.0), indicating it is not a common variant. This variant occurs within the canonical splice acceptor site, which is predicted to cause skipping of the first coding exon, including the methionine start, leading to a nonfunctional transcript. There is no in-frame methionine in the following exon. Based on available information and the ACMG/AMP guidelines for variant interpretation (Richards S et al., PMID: 25741868), this variant is classified as likely pathogenic.

NM_182977.3(NNT):c.-53-2A>G

Gene: NNT (nicotinamide nucleotide transhydrogenase; plus strand). Cytogenetic location: 5p12.
Variant type: single nucleotide variant.
Coding change: c.-53-2A>G on transcript NM_182977.3 (MANE Select); the canonical splice acceptor site of the intron before 53 bases upstream of the start codon, A replaced by G.
Molecular consequence: splice acceptor variant.
Genome position (GRCh38, 1-based): chr5:43,609,141, A>G. VCF-style: chr5-43609141-A-G. GRCh37 (hg19) VCF-style: chr5-43609243-A-G.
Other names: c.-53-2A>G (NM_012343.4); c.-216-2A>G (NM_001331026.2).
Identifiers: ClinVar variation 4879555 (VCV004879555.1).